The following is an entry in ClinVar:

NM_001205293.3(CACNA1E):c.3609A>G (p.Ile1203Met)

Gene: CACNA1E (calcium voltage-gated channel subunit alpha1 E; plus strand). Cytogenetic location: 1q25.3.
Variant type: single nucleotide variant.
Coding change: c.3609A>G on transcript NM_001205293.3 (MANE Select); coding-DNA position 3609, A replaced by G.
Protein change: p.Ile1203Met; replaces isoleucine 1203 with methionine.
Molecular consequence: missense variant.
Genome position (GRCh38, 1-based): chr1:181,738,423, A>G. VCF-style: chr1-181738423-A-G. GRCh37 (hg19) VCF-style: chr1-181707559-A-G.
Other names: c.3609A>G, p.Ile1203Met (NM_000721.4); c.3552A>G, p.Ile1184Met (NM_001205294.2); short protein forms I1203M, I1184M.
Identifiers: ClinVar variation 3007448 (VCV003007448.3), dbSNP rs1201264561, ClinGen allele CA343622230.

ClinVar aggregate classification (germline): Uncertain significance (1 of 4 stars; one submission).

Allele frequency attached by ClinVar (database versions not stated): gnomAD 0.00001; gnomAD exomes 0.00001; TOPMed 0.00001.
gnomAD v4.1: 4 of 1,613,312 alleles (0.00025%); highest among the groups gnomAD compares: Admixed American, 0.0067%; no homozygotes.

Submission:

Labcorp Genetics (formerly Invitae), Labcorp
Classification: Uncertain significance. Last evaluated: 2023-07-31. Review status: criteria provided, single submitter. Criteria: Invitae Variant Classification Sherloc (09022015). Collection method: clinical testing. Allele origin: germline.
Comment: In summary, the available evidence is currently insufficient to determine the role of this variant in disease. Therefore, it has been classified as a Variant of Uncertain Significance. Advanced modeling of protein sequence and biophysical properties (such as structural, functional, and spatial information, amino acid conservation, physicochemical variation, residue mobility, and thermodynamic stability) has been performed at Invitae for this missense variant, however the output from this modeling did not meet the statistical confidence thresholds required to predict the impact of this variant on CACNA1E protein function. This variant has not been reported in the literature in individuals affected with CACNA1E-related conditions. This variant is present in population databases (no rsID available, gnomAD 0.009%). This sequence change replaces isoleucine, which is neutral and non-polar, with methionine, which is neutral and non-polar, at codon 1203 of the CACNA1E protein (p.Ile1203Met).